The following is an entry in ClinVar:

NM_000038.6(APC):c.5768C>G (p.Pro1923Arg)

Gene: APC (APC regulator of Wnt signaling pathway; plus strand). Cytogenetic location: 5q22.2.
Variant type: single nucleotide variant.
Coding change: c.5768C>G on transcript NM_000038.6 (MANE Select); coding-DNA position 5768, C replaced by G.
Protein change: p.Pro1923Arg; replaces proline 1923 with arginine.
Molecular consequence: missense variant.
Genome position (GRCh38, 1-based): chr5:112,841,362, C>G. VCF-style: chr5-112841362-C-G. GRCh37 (hg19) VCF-style: chr5-112177059-C-G.
Other names: c.5768C>G, p.Pro1923Arg (NM_001127510.3, NM_001354895.2); c.5714C>G, p.Pro1905Arg (NM_001127511.3); c.5822C>G, p.Pro1941Arg (NM_001354896.2); c.5798C>G, p.Pro1933Arg (NM_001354897.2); c.5693C>G, p.Pro1898Arg (NM_001354898.2); c.5684C>G, p.Pro1895Arg (NM_001354899.2); c.5645C>G, p.Pro1882Arg (NM_001354900.2); c.5591C>G, p.Pro1864Arg (NM_001354901.2); and 5 more; short protein forms P1905R, P1923R, P1640R, P1898R, P1941R, P1797R, P1832R, P1895R.
Identifiers: ClinVar variation 580333 (VCV000580333.14), dbSNP rs1561602450, ClinGen allele CA16033953.

ClinVar aggregate classification (germline): Uncertain significance. Review status: criteria provided, multiple submitters, no conflicts (2 of 4 stars). 2 submissions from 2 submitters: Uncertain significance (2). Last evaluated 2023-04-12.

Conditions:
Hereditary cancer-predisposing syndrome. Also called: Neoplastic Syndromes, Hereditary; Tumor predisposition; Hereditary neoplastic syndrome; Hereditary Cancer Syndrome. Identifiers: Orphanet 140162, MedGen C0027672, MeSH D009386, MONDO:0015356.
Familial adenomatous polyposis 1 (FAP1). Also called: FAMILIAL ADENOMATOUS POLYPOSIS 1, ATTENUATED; POLYPOSIS, ADENOMATOUS INTESTINAL. Identifiers: MedGen C2713442, MONDO:0021056, OMIM 175100. Disease mechanism: loss of function.

Allele frequency attached by ClinVar (database versions not stated): gnomAD exomes 0.00001.
gnomAD v4.1: 7 of 1,613,682 alleles (0.00043%); highest among the groups gnomAD compares: Non-Finnish European, 0.00059%; no homozygotes.

Submissions (2):

Labcorp Genetics (formerly Invitae), Labcorp
Classification: Uncertain significance for Familial adenomatous polyposis 1. Last evaluated: 2023-04-12. Review status: criteria provided, single submitter. Criteria: Invitae Variant Classification Sherloc (09022015). Collection method: clinical testing. Allele origin: germline.
Comment: In summary, the available evidence is currently insufficient to determine the role of this variant in disease. Therefore, it has been classified as a Variant of Uncertain Significance. Advanced modeling of protein sequence and biophysical properties (such as structural, functional, and spatial information, amino acid conservation, physicochemical variation, residue mobility, and thermodynamic stability) performed at Invitae indicates that this missense variant is not expected to disrupt APC protein function. ClinVar contains an entry for this variant (Variation ID: 580333). This variant has not been reported in the literature in individuals affected with APC-related conditions. This variant is not present in population databases (gnomAD no frequency). This sequence change replaces proline, which is neutral and non-polar, with arginine, which is basic and polar, at codon 1923 of the APC protein (p.Pro1923Arg).

Ambry Genetics
Classification: Uncertain significance for Hereditary cancer-predisposing syndrome. Last evaluated: 2019-10-21. Review status: criteria provided, single submitter. Criteria: Ambry Variant Classification Scheme 2023. Collection method: clinical testing. Allele origin: germline.
Comment: The p.P1923R variant (also known as c.5768C>G), located in coding exon 15 of the APC gene, results from a C to G substitution at nucleotide position 5768. The proline at codon 1923 is replaced by arginine, an amino acid with dissimilar properties. This amino acid position is poorly conserved in available vertebrate species. In addition, in silico predictors for this gene do not accurately predict pathogenicity. Since supporting evidence is limited at this time, the clinical significance of this alteration remains unclear.